The following is an entry in ClinVar:

ClinVar aggregate classification (germline): Uncertain significance. Review status: criteria provided, single submitter (1 of 4 stars). 2 submissions from 2 submitters: Uncertain significance (1). 1 of the submissions does not count toward it. Last evaluated 2024-07-04.

Conditions:
DGUOK-related disorder. Also called: DGUOK-related condition.

Allele frequency attached by ClinVar (database versions not stated): ExAC 0.00001; gnomAD 0.00001.
gnomAD v4.1: 11 of 1,613,232 alleles (0.00068%); highest among the groups gnomAD compares: Non-Finnish European, 0.00093%; no homozygotes.

Submissions (2):

Labcorp Genetics (formerly Invitae), Labcorp
Classification: Uncertain significance. Last evaluated: 2024-07-04. Review status: criteria provided, single submitter. Criteria: Invitae Variant Classification Sherloc (09022015). Collection method: clinical testing. Allele origin: germline.
Comment: This sequence change replaces serine, which is neutral and polar, with cysteine, which is neutral and slightly polar, at codon 17 of the DGUOK protein (p.Ser17Cys). This variant is present in population databases (rs759230630, gnomAD 0.004%). This variant has not been reported in the literature in individuals affected with DGUOK-related conditions. ClinVar contains an entry for this variant (Variation ID: 1904667). An algorithm developed to predict the effect of missense changes on protein structure and function (PolyPhen-2) suggests that this variant is likely to be tolerated. In summary, the available evidence is currently insufficient to determine the role of this variant in disease. Therefore, it has been classified as a Variant of Uncertain Significance.

PreventionGenetics, part of Exact Sciences
Classification: Uncertain significance for DGUOK-related condition. Last evaluated: 2023-12-05. Review status: no assertion criteria provided. Collection method: clinical testing. Allele origin: germline. Not counted in ClinVar's aggregate classification.
Comment: The DGUOK c.50C>G variant is predicted to result in the amino acid substitution p.Ser17Cys. To our knowledge, this variant has not been reported in the literature. This variant is reported in 0.0039% of alleles in individuals of European (Non-Finnish) descent in gnomAD. At this time, the clinical significance of this variant is uncertain due to the absence of conclusive functional and genetic evidence.

NM_080916.3(DGUOK):c.50C>G (p.Ser17Cys)

Genes: DGUOK (deoxyguanosine kinase; plus strand), LOC129934096 (ATAC-STARR-seq lymphoblastoid active region 16036; plus strand). Cytogenetic location: 2p13.1.
Variant type: single nucleotide variant.
Coding change: c.50C>G on transcript NM_080916.3 (MANE Select); coding-DNA position 50, C replaced by G.
Protein change: p.Ser17Cys; replaces serine 17 with cysteine.
Molecular consequence: missense variant. On other transcripts: 5 prime UTR variant (4), non-coding transcript variant (6).
Genome position (GRCh38, 1-based): chr2:73,926,960, C>G. VCF-style: chr2-73926960-C-G. GRCh37 (hg19) VCF-style: chr2-74154087-C-G.
Other names: c.50C>G, p.Ser17Cys (NM_001318859.2, NM_080918.3); c.-129C>G (NM_001318860.2, NM_001318863.2); c.-215C>G (NM_001318861.2, NM_001318862.2); c.50C>G (NM_080916.2); short protein forms S17C.
Identifiers: ClinVar variation 1904667 (VCV001904667.7), dbSNP rs759230630, ClinGen allele CA1718131.
Genomic context (GRCh38, chr2:73,926,960, plus strand): 5'-TCGTGGGTGGGATGGCCGCGGGCCGCCTCTTTCTAAGTCGGCTTCGAGCACCCTTCAGTT[C>G]CATGGCCAAGAGCCCACTCGAGGGCGTTTCCTCCTCCAGAGGCCTGCACGCGGGGCGCGG-3'
Protein context (NP_550438.1, residues 7-27): FLSRLRAPFS[Ser17Cys]MAKSPLEGVS